The following is an entry in ClinVar:

ClinVar aggregate classification (germline): Likely benign (0 of 4 stars; one submission).

Conditions:
CWF19L1-related disorder. Also called: CWF19L1-related condition.

Allele frequency attached by ClinVar (database versions not stated): gnomAD 0.00005; TOPMed 0.00007; gnomAD exomes 0.00009; ExAC 0.00010.

Submission:

PreventionGenetics, part of Exact Sciences
Classification: Likely benign for CWF19L1-related condition. Last evaluated: 2019-08-22. Review status: no assertion criteria provided. Collection method: clinical testing. Allele origin: germline.
Comment: This variant is classified as likely benign based on ACMG/AMP sequence variant interpretation guidelines (Richards et al. 2015 PMID: 25741868, with internal and published modifications).

NM_018294.6(CWF19L1):c.249T>C (p.Asp83=)

Gene: CWF19L1 (CWF19 like cell cycle control factor 1; minus strand). Cytogenetic location: 10q24.31.
Variant type: single nucleotide variant.
Coding change: c.249T>C on transcript NM_018294.6 (MANE Select); coding-DNA position 249, T replaced by C.
Protein change: p.Asp83=; no amino-acid change (aspartic acid 83 retained).
Molecular consequence: synonymous variant. On other transcripts: 5 prime UTR variant (2), intron variant (1).
Genome position (GRCh38, 1-based): chr10:100,260,258, A>G on the plus strand (T>C on the coding strand, the complement: CWF19L1 is on the minus strand). VCF-style: chr10-100260258-A-G. GRCh37 (hg19) VCF-style: chr10-102020015-A-G.
Other names: c.249T>C, p.Asp83= (NM_001303404.2); c.-163T>C (NM_001303405.2); c.-272T>C (NM_001303407.2); c.-122-3782T>C (NM_001303406.2).
Identifiers: ClinVar variation 3052789 (VCV003052789.2), dbSNP rs764476425, ClinGen allele CA5647224.